The following is an entry in ClinVar:

NM_019892.6(INPP5E):c.1123C>T (p.Leu375Phe)

Gene: INPP5E (inositol polyphosphate-5-phosphatase E; minus strand). Cytogenetic location: 9q34.3.
Variant type: single nucleotide variant.
Coding change: c.1123C>T on transcript NM_019892.6 (MANE Select); coding-DNA position 1123, C replaced by T.
Protein change: p.Leu375Phe; replaces leucine 375 with phenylalanine.
Molecular consequence: missense variant.
Genome position (GRCh38, 1-based): chr9:136,433,191, G>A on the plus strand (C>T on the coding strand, the complement: INPP5E is on the minus strand). VCF-style: chr9-136433191-G-A. GRCh37 (hg19) VCF-style: chr9-139327643-G-A.
Other names: c.1123C>T, p.Leu375Phe (NM_001318502.2); c.1123C>T (NM_019892.5); short protein forms L375F.
Identifiers: ClinVar variation 1392253 (VCV001392253.9), dbSNP rs2131609184, ClinGen allele CA375564258.

ClinVar aggregate classification (germline): Uncertain significance. Review status: criteria provided, multiple submitters, no conflicts (2 of 4 stars). 2 submissions from 2 submitters: Uncertain significance (2). Last evaluated 2026-02-23.

Conditions:
INPP5E-related disorder. Also called: INPP5E-related condition.
Joubert syndrome. Also called: Familial aplasia of the vermis; JOUBERT-BOLTSHAUSER SYNDROME. Identifiers: Orphanet 475, MedGen C5979921, MONDO:0018772.

Submissions (2):

PreventionGenetics, part of Exact Sciences
Classification: Uncertain significance for INPP5E-related condition. Last evaluated: 2026-02-23. Review status: criteria provided, single submitter. Criteria: ACMG Guidelines, 2015. Collection method: clinical testing. Allele origin: germline.
Comment: The INPP5E c.1123C>T variant is predicted to result in the amino acid substitution p.Leu375Phe. To our knowledge, this variant has not been reported in the literature or in a large population database, indicating this variant is rare. At this time, the clinical significance of this variant is uncertain due to the absence of conclusive functional and genetic evidence.

Labcorp Genetics (formerly Invitae), Labcorp
Classification: Uncertain significance for Joubert syndrome. Last evaluated: 2022-08-23. Review status: criteria provided, single submitter. Criteria: Invitae Variant Classification Sherloc (09022015). Collection method: clinical testing. Allele origin: germline.
Comment: In summary, the available evidence is currently insufficient to determine the role of this variant in disease. Therefore, it has been classified as a Variant of Uncertain Significance. Advanced modeling of protein sequence and biophysical properties (such as structural, functional, and spatial information, amino acid conservation, physicochemical variation, residue mobility, and thermodynamic stability) performed at Invitae indicates that this missense variant is expected to disrupt INPP5E protein function. ClinVar contains an entry for this variant (Variation ID: 1392253). This variant has not been reported in the literature in individuals affected with INPP5E-related conditions. This variant is not present in population databases (gnomAD no frequency). This sequence change replaces leucine, which is neutral and non-polar, with phenylalanine, which is neutral and non-polar, at codon 375 of the INPP5E protein (p.Leu375Phe).